The following is an entry in ClinVar:

ClinVar aggregate classification (germline): Uncertain significance (1 of 4 stars; one submission).

Submission:

GeneDx
Classification: Uncertain significance. Last evaluated: 2024-08-08. Review status: criteria provided, single submitter. Criteria: GeneDx Variant Classification Process June 2021. Collection method: clinical testing. Allele origin: germline. Affected: yes.
Comment: Has not been previously published as pathogenic or benign to our knowledge; Not observed at significant frequency in large population cohorts (gnomAD); In silico analysis indicates that this missense variant does not alter protein structure/function; This variant is associated with the following publications: (PMID: 19926015)

NM_001035.3(RYR2):c.11G>A (p.Gly4Glu)

Gene: RYR2 (ryanodine receptor 2; plus strand). Cytogenetic location: 1q43.
Variant type: single nucleotide variant.
Coding change: c.11G>A on transcript NM_001035.3 (MANE Select); coding-DNA position 11, G replaced by A.
Protein change: p.Gly4Glu; replaces glycine 4 with glutamic acid.
Molecular consequence: missense variant.
Genome position (GRCh38, 1-based): chr1:237,042,532, G>A. VCF-style: chr1-237042532-G-A. GRCh37 (hg19) VCF-style: chr1-237205832-G-A.
Other names: short protein forms G4E.
Identifiers: ClinVar variation 3603203 (VCV003603203.1).